The following is an entry in ClinVar:

NM_001379291.1(BRD4):c.920C>T (p.Pro307Leu)

Gene: BRD4 (bromodomain containing 4; minus strand). Cytogenetic location: 19p13.12.
Variant type: single nucleotide variant.
Coding change: c.920C>T on transcript NM_001379291.1 (MANE Select); coding-DNA position 920, C replaced by T.
Protein change: p.Pro307Leu; replaces proline 307 with leucine.
Molecular consequence: missense variant.
Genome position (GRCh38, 1-based): chr19:15,264,696, G>A on the plus strand (C>T on the coding strand, the complement: BRD4 is on the minus strand). VCF-style: chr19-15264696-G-A. GRCh37 (hg19) VCF-style: chr19-15375507-G-A.
Other names: c.920C>T, p.Pro307Leu (NM_001330384.2, NM_001379292.1, NM_014299.3 and 1 more transcripts); c.920C>T (NM_058243.2); short protein forms P307L.
Identifiers: ClinVar variation 2804411 (VCV002804411.4), dbSNP rs149454272, ClinGen allele CA9265493.
Genomic context (GRCh38, chr19:15,264,696, plus strand): 5'-GGCCGGCTGCTCTCCCGCCGCTGGCCCAGCTTGGTGGTCTTGGGCTCCGGGGGCAGCGAG[G>A]GTGGCTCGTGAATGGGGTCAATGGTGGTGGGGGTGGTGGTGTCTGCTTTCCTCTTCACTC-3'
Protein context (NP_001366220.1, residues 297-317): PTTIDPIHEP[Pro307Leu]SLPPEPKTTK

ClinVar aggregate classification (germline): Uncertain significance. Review status: criteria provided, multiple submitters, no conflicts (2 of 4 stars). 2 submissions from 2 submitters: Uncertain significance (2). Last evaluated 2025-01-21.

Conditions:
Inborn genetic diseases. Identifiers: MedGen C0950123, MeSH D030342.

Allele frequency attached by ClinVar (database versions not stated): ExAC 0.00001; gnomAD 0.00001; TOPMed 0.00001; ESP Exome Variant Server 0.00008.
gnomAD v4.1: 1 of 1,613,166 alleles (0.000062%); highest among the groups gnomAD compares: African/African-American, 0.0013%; no homozygotes.

Submissions (2):

Ambry Genetics
Classification: Uncertain significance for Inborn genetic diseases. Last evaluated: 2025-01-21. Review status: criteria provided, single submitter. Criteria: Ambry Variant Classification Scheme 2023. Collection method: clinical testing. Allele origin: germline.

Labcorp Genetics (formerly Invitae), Labcorp
Classification: Uncertain significance. Last evaluated: 2023-03-23. Review status: criteria provided, single submitter. Criteria: Invitae Variant Classification Sherloc (09022015). Collection method: clinical testing. Allele origin: germline.
Comment: In summary, the available evidence is currently insufficient to determine the role of this variant in disease. Therefore, it has been classified as a Variant of Uncertain Significance. Advanced modeling of protein sequence and biophysical properties (such as structural, functional, and spatial information, amino acid conservation, physicochemical variation, residue mobility, and thermodynamic stability) performed at Invitae indicates that this missense variant is not expected to disrupt BRD4 protein function. This variant has not been reported in the literature in individuals affected with BRD4-related conditions. This variant is present in population databases (rs149454272, gnomAD 0.007%). This sequence change replaces proline, which is neutral and non-polar, with leucine, which is neutral and non-polar, at codon 307 of the BRD4 protein (p.Pro307Leu).